The following is an entry in ClinVar:

NM_006648.4(WNK2):c.5657C>T (p.Ser1886Leu)

Gene: WNK2 (WNK lysine deficient protein kinase 2; plus strand). Cytogenetic location: 9q22.31.
Variant type: single nucleotide variant.
Coding change: c.5657C>T on transcript NM_006648.4 (MANE Select); coding-DNA position 5657, C replaced by T.
Protein change: p.Ser1886Leu; replaces serine 1886 with leucine.
Molecular consequence: missense variant.
Genome position (GRCh38, 1-based): chr9:93,293,122, C>T. VCF-style: chr9-93293122-C-T. GRCh37 (hg19) VCF-style: chr9-96055404-C-T.
Other names: c.5768C>T, p.Ser1923Leu (NM_001282394.3); short protein forms S1923L, S1886L.
Identifiers: ClinVar variation 3981884 (VCV003981884.1).

ClinVar aggregate classification (germline): Uncertain significance (1 of 4 stars; one submission).

gnomAD v4.1: 9 of 1,583,710 alleles (0.00057%); highest among the groups gnomAD compares: African/African-American, 0.0027%; no homozygotes.

Submission:

Ambry Genetics
Classification: Uncertain significance. Last evaluated: 2025-04-14. Review status: criteria provided, single submitter. Criteria: Ambry Variant Classification Scheme 2023. Collection method: clinical testing. Allele origin: germline.
Comment: The p.S1886L variant (also known as c.5657C>T), located in coding exon 22 of the WNK2 gene, results from a C to T substitution at nucleotide position 5657. The serine at codon 1886 is replaced by leucine, an amino acid with dissimilar properties. This amino acid position is conserved. In addition, this alteration is predicted to be deleterious by in silico analysis. Based on the available evidence, the clinical significance of this variant remains unclear.